The following is an entry in ClinVar:

ClinVar aggregate classification (germline): Uncertain significance (1 of 4 stars; one submission).

Conditions:
Alstrom syndrome (ALMS). Identifiers: Orphanet 64, MedGen C0268425, MONDO:0008763, OMIM 203800.

Allele frequency attached by ClinVar (database versions not stated): gnomAD exomes below 0.00001.
gnomAD v4.1: 1 of 1,614,082 alleles (0.000062%); highest among the groups gnomAD compares: Non-Finnish European, 0.000085%; no homozygotes.

Submission:

Labcorp Genetics (formerly Invitae), Labcorp
Classification: Uncertain significance for Alstrom syndrome. Last evaluated: 2022-03-08. Review status: criteria provided, single submitter. Criteria: Invitae Variant Classification Sherloc (09022015). Collection method: clinical testing. Allele origin: germline.
Comment: In summary, the available evidence is currently insufficient to determine the role of this variant in disease. Therefore, it has been classified as a Variant of Uncertain Significance. Experimental studies and prediction algorithms are not available or were not evaluated, and the functional significance of this variant is currently unknown. This variant has not been reported in the literature in individuals affected with ALMS1-related conditions. This variant is not present in population databases (gnomAD no frequency). This sequence change replaces tyrosine, which is neutral and polar, with histidine, which is basic and polar, at codon 4143 of the ALMS1 protein (p.Tyr4143His).

NM_001378454.1(ALMS1):c.12424T>C (p.Tyr4142His)

Gene: ALMS1 (ALMS1 centrosome and basal body associated protein; plus strand). Cytogenetic location: 2p13.1.
Variant type: single nucleotide variant.
Coding change: c.12424T>C on transcript NM_001378454.1 (MANE Select); coding-DNA position 12424, T replaced by C.
Protein change: p.Tyr4142His; replaces tyrosine 4142 with histidine.
Molecular consequence: missense variant.
Genome position (GRCh38, 1-based): chr2:73,608,536, T>C. VCF-style: chr2-73608536-T-C. GRCh37 (hg19) VCF-style: chr2-73835663-T-C.
Other names: c.12427T>C, p.Tyr4143His (NM_015120.4); short protein forms Y4143H, Y4142H.
Identifiers: ClinVar variation 1395170 (VCV001395170.6), dbSNP rs954710649, ClinGen allele CA50342587.